The following is an entry in ClinVar:

ClinVar aggregate classification (germline): Uncertain significance (1 of 4 stars; one submission).

Conditions:
Hereditary cancer-predisposing syndrome. Also called: Neoplastic Syndromes, Hereditary; Tumor predisposition; Hereditary neoplastic syndrome; Hereditary Cancer Syndrome. Identifiers: Orphanet 140162, MedGen C0027672, MeSH D009386, MONDO:0015356.

Submission:

Ambry Genetics
Classification: Uncertain significance for Hereditary cancer-predisposing syndrome. Last evaluated: 2022-12-27. Review status: criteria provided, single submitter. Criteria: Ambry Variant Classification Scheme 2023. Collection method: clinical testing. Allele origin: germline.
Comment: The p.L232Q variant (also known as c.695T>A), located in coding exon 4 of the MSH3 gene, results from a T to A substitution at nucleotide position 695. The leucine at codon 232 is replaced by glutamine, an amino acid with dissimilar properties. This amino acid position is conserved. In addition, this alteration is predicted to be deleterious by in silico analysis. Since supporting evidence is limited at this time, the clinical significance of this alteration remains unclear.

NM_002439.5(MSH3):c.695T>A (p.Leu232Gln)

Gene: MSH3 (mutS homolog 3; plus strand). Cytogenetic location: 5q14.1.
Variant type: single nucleotide variant.
Coding change: c.695T>A on transcript NM_002439.5 (MANE Select); coding-DNA position 695, T replaced by A.
Protein change: p.Leu232Gln; replaces leucine 232 with glutamine.
Molecular consequence: missense variant.
Genome position (GRCh38, 1-based): chr5:80,670,212, T>A. VCF-style: chr5-80670212-T-A. GRCh37 (hg19) VCF-style: chr5-79966031-T-A.
Other names: short protein forms L232Q.
Identifiers: ClinVar variation 2451058 (VCV002451058.2), dbSNP rs2112812283, ClinGen allele CA360266788.